The following is an entry in ClinVar:

ClinVar aggregate classification (germline): Uncertain significance (1 of 4 stars; one submission).

Conditions:
Inborn genetic diseases. Identifiers: MedGen C0950123, MeSH D030342.

Submission:

Ambry Genetics
Classification: Uncertain significance for Inborn genetic diseases. Last evaluated: 2026-08-08. Review status: criteria provided, single submitter. Criteria: Ambry Variant Classification Scheme 2023. Collection method: clinical testing. Allele origin: germline.
Comment: The p.Q198P variant (also known as c.593A>C), located in coding exon 5 of the ETV6 gene, results from an A to C substitution at nucleotide position 593. The glutamine at codon 198 is replaced by proline, an amino acid with similar properties. This amino acid position is conserved. In addition, this alteration is predicted to be tolerated by in silico analysis. Based on the available evidence, the clinical significance of this variant remains unclear.

NM_001987.5(ETV6):c.593A>C (p.Gln198Pro)

Gene: ETV6 (ETS variant transcription factor 6; plus strand). Cytogenetic location: 12p13.2.
Variant type: single nucleotide variant.
Coding change: c.593A>C on transcript NM_001987.5 (MANE Select); coding-DNA position 593, A replaced by C.
Protein change: p.Gln198Pro; replaces glutamine 198 with proline.
Molecular consequence: missense variant.
Genome position (GRCh38, 1-based): chr12:11,869,553, A>C. VCF-style: chr12-11869553-A-C. GRCh37 (hg19) VCF-style: chr12-12022487-A-C.
Other names: c.590A>C, p.Gln197Pro (NM_001413913.1); c.566A>C, p.Gln189Pro (NM_001413914.1); c.329A>C, p.Gln110Pro (NM_001413915.1); c.593A>C, p.Gln198Pro (NM_001413916.1, NM_001413917.1); short protein forms Q189P, Q198P, Q197P, Q110P.
Identifiers: ClinVar variation 5036215 (VCV005036215.1).